The following is an entry in ClinVar:

ClinVar aggregate classification (germline): Pathogenic/Likely pathogenic. Review status: criteria provided, multiple submitters, no conflicts (2 of 4 stars). 9 submissions from 9 submitters: Pathogenic (7); Likely pathogenic (1). 1 of the submissions does not count toward it. Last evaluated 2026-04-09.

Conditions:
UNC13D-related disorder. Also called: UNC13D-related condition.
Autoinflammatory syndrome. Identifiers: Orphanet 93665, MedGen C3890737, MONDO:0019751.
Familial hemophagocytic lymphohistiocytosis 3 (FHL3). Also called: UNC13D-Related Familial Hemophagocytic Lymphohistiocytosis (UNC13D-fHLH). Identifiers: Orphanet 540, MedGen C1837174, MONDO:0012146, OMIM 608898.

Allele frequency attached by ClinVar (database versions not stated): TOPMed 0.00005.
gnomAD v4.1: 23 of 1,613,588 alleles (0.0014%); highest among the groups gnomAD compares: Non-Finnish European, 0.0017%; no homozygotes.

Submissions (9):

PreventionGenetics, part of Exact Sciences
Classification: Pathogenic for UNC13D-related condition. Last evaluated: 2026-04-09. Review status: criteria provided, single submitter. Criteria: ACMG Guidelines, 2015. Collection method: clinical testing. Allele origin: germline.
Comment: The UNC13D c.766C>T variant is predicted to result in premature protein termination (p.Arg256*). This variant has been reported in the compound heterozygous state in siblings with familial hemophagocytic lymphohistiocytosis (FHL) (Feldman et al. 2003. PubMed ID: 14622600). Protein truncating variants located throughout the UNC13D gene have been reported in several patients with FHL and the p.Arg256* variant is consistent with being a primary cause of disease when present in the homozygous or compound heterozygous state (Meeths et al. 2011. PubMed ID: 21931115; Tesi et al. 2015. PubMed ID: 26684649; OMIM #608898). This variant is reported in 0.0040% of alleles in individuals of African descent in gnomAD and has been interpreted as pathogenic/likely pathogenic in ClinVar (Variation ID: 2000). We interpret this variant as pathogenic.

Labcorp Genetics (formerly Invitae), Labcorp
Classification: Pathogenic for Familial hemophagocytic lymphohistiocytosis 3. Last evaluated: 2026-01-31. Review status: criteria provided, single submitter. Criteria: Invitae Variant Classification Sherloc (09022015). Collection method: clinical testing. Allele origin: germline.
Comment: This sequence change creates a premature translational stop signal (p.Arg256*) in the UNC13D gene. It is expected to result in an absent or disrupted protein product. Loss-of-function variants in UNC13D are known to be pathogenic (PMID: 14622600). This variant is present in population databases (rs121434352, gnomAD 0.004%). This premature translational stop signal has been observed in individual(s) with hemophagocytic lymphohistiocytosis (PMID: 14622600, 21152410, 21674762, 24470399). It has also been observed to segregate with disease in related individuals. ClinVar contains an entry for this variant (Variation ID: 2000). For these reasons, this variant has been classified as Pathogenic.

Blueprint Genetics
Classification: Pathogenic for UNC13D-related disorders. Last evaluated: 2024-10-02. Review status: criteria provided, single submitter. Criteria: ACMG Guidelines, 2015. Collection method: clinical testing. Allele origin: germline. Affected: yes. Observed: 5 variant alleles.

Genomic Medicine Center of Excellence, King Faisal Specialist Hospital and Research Centre
Classification: Likely pathogenic for Familial hemophagocytic lymphohistiocytosis 3. Last evaluated: 2024-03-26. Review status: criteria provided, single submitter. Criteria: ACMG Guidelines, 2015. Collection method: clinical testing. Allele origin: germline.

GeneDx
Classification: Pathogenic. Last evaluated: 2019-01-18. Review status: criteria provided, single submitter. Criteria: GeneDx Variant Classification (06012015). Collection method: clinical testing. Allele origin: germline. Affected: yes.
Comment: The R256X nonsense variant has been reported previously in trans with another pathogenic variant in association with familial hemophagocytic lymphohistiocytosis (Feldmann et al., 2003). This variant is predicted to cause loss of normal protein function either through protein truncation or nonsense-mediated mRNA decay. The variant is not observed at a significant frequency in large population cohorts (Lek et al., 2016). We interpret this variant as pathogenic.

Illumina Laboratory Services, Illumina
Classification: Pathogenic for Familial hemophagocytic lymphohistiocytosis 3. Last evaluated: 2018-08-29. Review status: criteria provided, single submitter. Criteria: ICSL Variant Classification Criteria 09 May 2019. Collection method: clinical testing. Allele origin: germline.
Comment: The UNC13D c.766C>T (p.Arg256Ter) variant is a stop-gained variant that is predicted to result in a premature termination of the protein. The c.766C>T (p.Arg256Ter) variant has been reported in five studies and is found in seven individuals with familial hemophagocytic lymphohistiocytosis in a compound heterozygous state (Feldmann et al. 2003; Zur Stadt et al. 2006; Nagai et al. 2010; Zhizhuo et al. 2012; Qian et al. 2014). The variant was absent from 276 control subjects and is present at a frequency of 0.000046 in the European (non-Finnish) population of the Exome Aggregation Consortium. Western blotting experiments showed that the p.Arg256Ter variant resulted in an absence of protein expression (Nagai et al. 2010). Due to the potential impact of stop-gained variants and the supporting evidence from the literature, the p.Arg256Ter variant is considered to be pathogenic for familial hemophagocytic lymphohistiocytosis. This variant was observed by ICSL as part of a predisposition screen in an ostensibly healthy population.

Genome Diagnostics Laboratory, The Hospital for Sick Children
Classification: Pathogenic for Autoinflammatory syndrome. Last evaluated: 2016-12-12. Review status: criteria provided, single submitter. Criteria: ACMG Guidelines, 2015. Collection method: clinical testing. Allele origin: germline. Affected: yes.

Juno Genomics, Hangzhou Juno Genomics, Inc
Classification: Pathogenic for Familial hemophagocytic lymphohistiocytosis 3. Review status: criteria provided, single submitter. Criteria: ACMG Guidelines, 2015. Collection method: clinical testing. Allele origin: germline.
Comment: Null variant in a gene where loss of function (LOF) is a known mechanism of disease.;Absent from controls (or at extremely low frequency if recessive) in Genome Aggregation Database.;For recessive disorders, detected in trans with a pathogenic variant.;Patient's phenotype or family history is highly specific for a disease with a single genetic etiology.;Co-segregation with disease in multiple affected family members.

OMIM
Classification: Pathogenic for HEMOPHAGOCYTIC LYMPHOHISTIOCYTOSIS, FAMILIAL, 3. Last evaluated: 2003-11-14. Review status: no assertion criteria provided. Collection method: literature only. Allele origin: germline. Not counted in ClinVar's aggregate classification.

Literature cited by the submitters: PubMed 14622600 (cited by 3 submitters); PubMed 21152410 (cited by Labcorp Genetics (formerly Invitae), Labcorp and Illumina Laboratory Services, Illumina); PubMed 21674762 (cited by Labcorp Genetics (formerly Invitae), Labcorp and Illumina Laboratory Services, Illumina); PubMed 24470399 (cited by Labcorp Genetics (formerly Invitae), Labcorp and Illumina Laboratory Services, Illumina); PubMed 16278825 (cited by Illumina Laboratory Services, Illumina).

NM_199242.3(UNC13D):c.766C>T (p.Arg256Ter)

Gene: UNC13D (unc-13 homolog D; minus strand). Cytogenetic location: 17q25.1.
Variant type: single nucleotide variant.
Coding change: c.766C>T on transcript NM_199242.3 (MANE Select); coding-DNA position 766, C replaced by T.
Protein change: p.Arg256Ter; replaces arginine 256 with a stop codon.
Molecular consequence: nonsense.
Genome position (GRCh38, 1-based): chr17:75,840,317, G>A on the plus strand (C>T on the coding strand, the complement: UNC13D is on the minus strand). VCF-style: chr17-75840317-G-A. GRCh37 (hg19) VCF-style: chr17-73836398-G-A.
Other names: short protein forms R256*.
Identifiers: ClinVar variation 2000 (VCV000002000.20), dbSNP rs121434352, ClinGen allele CA252031.
Genomic context (GRCh38, chr17:75,840,317, plus strand): 5'-ACTGGCCTCGGTCTGGGTAGGTCTCAGTGCGGGGTTCCAGGGGGTACCACTGGTCCTCTC[G>A]GCAGCGCAGGTCCTGACAGGCGGGGATGCCCAGCCCGTGAGCGTCAGAACCTCATAGAGT-3'